The following is an entry in ClinVar:

ClinVar aggregate classification (germline): Likely pathogenic (1 of 4 stars; one submission).

Conditions:
alpha Thalassemia. Also called: Alpha thalassemia spectrum. Identifiers: Orphanet 846, MedGen C0002312, MONDO:0011399, OMIM 604131.

Submission:

Natera, Inc.
Classification: Likely pathogenic for Alpha thalassemia. Last evaluated: 2024-10-09. Review status: criteria provided, single submitter. Criteria: Natera Variant Classification Schema (03/2026). Collection method: clinical testing. Allele origin: germline.
Comment: The c.301-1G>C variant in HBA2 is a canonical splice acceptor site variant predicted to affect pre-mRNA splicing, which may result in an abnormal transcript and altered protein product. This variant is expected to result in nonsense mediated decay, truncation, or a dysfunctional protein product. This variant is rare in the general population with a frequency below the threshold expected for the associated phenotype(s). Given the available evidence, this variant is classified as Likely Pathogenic.

NM_000517.6(HBA2):c.301-1G>C

Genes: HBA2 (hemoglobin subunit alpha 2; plus strand), LOC106804612 (hemoglobin subunit alpha 2 recombination region; plus strand). Cytogenetic location: 16p13.3.
Variant type: single nucleotide variant.
Coding change: c.301-1G>C on transcript NM_000517.6 (MANE Select); the canonical splice acceptor site of the intron before coding-DNA position 301, G replaced by C.
Molecular consequence: splice acceptor variant.
Genome position (GRCh38, 1-based): chr16:173,471, G>C. VCF-style: chr16-173471-G-C. GRCh37 (hg19) VCF-style: chr16-223470-G-C.
Identifiers: ClinVar variation 4818659 (VCV004818659.1).